The following is an entry in ClinVar:

ClinVar aggregate classification (germline): Conflicting classifications of pathogenicity. Review status: criteria provided, conflicting classifications (1 of 4 stars). 7 submissions from 7 submitters: Likely pathogenic (5); Uncertain significance (2). Last evaluated 2025-11-05.

Conditions:
Muscular dystrophy, limb-girdle, autosomal dominant 4. Also called: Calpain-3-related limb-girdle muscular dystrophy D4; MUSCULAR DYSTROPHY, LIMB-GIRDLE, TYPE 1I. Identifiers: Orphanet 565909, MedGen C4748295, MONDO:0029133, OMIM 618129.
CAPN3-related disorder. Also called: CAPN3-related disorders; CAPN3-related condition. Identifiers: MedGen CN239245.
Autosomal recessive limb-girdle muscular dystrophy type 2A (LGMDR1). Also called: Limb-girdle muscular dystrophy, type 2A; Calpainopathy; Muscular dystrophy, limb-girdle, type 2A, Amish; LEYDEN-MOEBIUS MUSCULAR DYSTROPHY; MUSCULAR DYSTROPHY, PELVOFEMORAL. Identifiers: Orphanet 267, MedGen C1869123, MONDO:0009675, OMIM 253600. Disease mechanism: loss of function.

Allele frequency attached by ClinVar (database versions not stated): gnomAD 0.00001; gnomAD exomes 0.00005 and 0.00007; ExAC 0.00009.
gnomAD v4.1: 31 of 1,614,118 alleles (0.0019%); highest among the groups gnomAD compares: Non-Finnish European, 0.0012%; no homozygotes.

Submissions (7):

Labcorp Genetics (formerly Invitae), Labcorp
Classification: Uncertain significance for Autosomal recessive limb-girdle muscular dystrophy type 2A. Last evaluated: 2025-11-05. Review status: criteria provided, single submitter. Criteria: Invitae Variant Classification Sherloc (09022015). Collection method: clinical testing. Allele origin: germline.
Comment: This sequence change replaces glutamic acid, which is acidic and polar, with lysine, which is basic and polar, at codon 566 of the CAPN3 protein (p.Glu566Lys). This variant is present in population databases (rs747819910, gnomAD 0.02%). This missense change has been observed in individual(s) with limb-girdle muscular dystrophy (PMID: 29970176, 31788660). ClinVar contains an entry for this variant (Variation ID: 955422). Invitae Evidence Modeling of protein sequence and biophysical properties (such as structural, functional, and spatial information, amino acid conservation, physicochemical variation, residue mobility, and thermodynamic stability) indicates that this missense variant is not expected to disrupt CAPN3 protein function with a negative predictive value of 80%. In summary, the available evidence is currently insufficient to determine the role of this variant in disease. Therefore, it has been classified as a Variant of Uncertain Significance.

Myriad Genetics, Inc.
Classification: Likely pathogenic for Autosomal recessive limb-girdle muscular dystrophy type 2A. Last evaluated: 2025-03-21. Review status: criteria provided, single submitter. Criteria: Myriad Autosomal Dominant, Autosomal Recessive and X-Linked Classification Criteria (2023). Collection method: clinical testing. Allele origin: unknown.
Comment: NM_000070.2(CAPN3):c.1696G>A(E566K) is a missense variant classified as likely pathogenic in the context of calpainopathy. E566K has been observed in cases with relevant disease (PMID: 29970176, 31788660, 37526466, ESHG_2023_(Abstracts) and Sacara_2017_(Article)). Relevant functional assessments of this variant are not available in the literature. E566K has been observed in referenced population frequency databases. In summary, NM_000070.2(CAPN3):c.1696G>A(E566K) is a missense variant that has been observed more frequently in cases with the relevant disease than in healthy populations. Please note: this variant was assessed in the context of healthy population screening.

Institute of Human Genetics, University of Leipzig Medical Center
Classification: Likely pathogenic for Autosomal recessive limb-girdle muscular dystrophy type 2A. Last evaluated: 2024-10-01. Review status: criteria provided, single submitter. Criteria: ACMG Guidelines, 2015. Collection method: clinical testing. Allele origin: unknown. Inheritance: Autosomal recessive inheritance. Affected: yes.
Comment: Criteria applied: PM2,PM3,PM1_SUP,PP3

Blueprint Genetics
Classification: Likely pathogenic for CAPN3-related disorders. Last evaluated: 2024-09-09. Review status: criteria provided, single submitter. Criteria: ACMG Guidelines, 2015. Collection method: clinical testing. Allele origin: germline. Affected: yes. Observed: 4 variant alleles.

Natera, Inc.
Classification: Likely pathogenic for Limb-girdle muscular dystrophy type 2A. Last evaluated: 2024-03-21. Review status: criteria provided, single submitter. Criteria: Natera Variant Classification Schema (03/2026). Collection method: clinical testing. Allele origin: germline.
Comment: The c.1696G>A variant in CAPN3 is a missense variant predicted to cause substitution of glutamic acid to lysine at amino acid 566. This variant is rare in the general population with a frequency below the threshold expected for the associated phenotype(s). This variant has been observed in one or more individuals affected with the associated recessive disease, as either homozygous or compound heterozygous with a second variant (PMID: 31788660, 29970176). Computational prediction algorithms indicate this variant is likely to affect gene or protein function. Given the available evidence, this variant is classified as Likely Pathogenic.

Baylor Genetics
Classification: Likely pathogenic for Muscular dystrophy, limb-girdle, autosomal dominant 4. Last evaluated: 2023-10-19. Review status: criteria provided, single submitter. Criteria: ACMG Guidelines, 2015. Collection method: clinical testing. Allele origin: unknown.

GeneDx
Classification: Uncertain significance. Last evaluated: 2022-01-06. Review status: criteria provided, single submitter. Criteria: GeneDx Variant Classification Process June 2021. Collection method: clinical testing. Allele origin: germline. Affected: yes.
Comment: Reported in individuals diagnosed with limb-girdle muscular dystrophy who also harbored another pathogenic allele in CAPN3 (Peric et al., 2019; Fichna et al., 2018); In silico analysis supports that this missense variant has a deleterious effect on protein structure/function; This variant is associated with the following publications: (PMID: 29970176, 31788660)

Literature cited by the submitters: PubMed 29970176 (cited by Labcorp Genetics (formerly Invitae), Labcorp and Natera, Inc.); PubMed 31788660 (cited by Labcorp Genetics (formerly Invitae), Labcorp and Natera, Inc.).

NM_000070.3(CAPN3):c.1696G>A (p.Glu566Lys)

Gene: CAPN3 (calpain 3; plus strand). Cytogenetic location: 15q15.1.
Variant type: single nucleotide variant.
Coding change: c.1696G>A on transcript NM_000070.3 (MANE Select); coding-DNA position 1696, G replaced by A.
Protein change: p.Glu566Lys; replaces glutamic acid 566 with lysine.
Molecular consequence: missense variant.
Genome position (GRCh38, 1-based): chr15:42,402,953, G>A. VCF-style: chr15-42402953-G-A. GRCh37 (hg19) VCF-style: chr15-42695151-G-A.
Other names: c.1696G>A, p.Glu566Lys (NM_024344.2); c.1552G>A, p.Glu518Lys (NM_173087.2); c.160G>A, p.Glu54Lys (NM_173088.2); short protein forms E54K, E566K, E518K.
Identifiers: ClinVar variation 955422 (VCV000955422.18), dbSNP rs747819910, ClinGen allele CA7511468.